The following is an entry in ClinVar:

NM_005379.4(MYO1A):c.2341A>G (p.Lys781Glu)

Gene: MYO1A (myosin IA; minus strand). Cytogenetic location: 12q13.3.
Variant type: single nucleotide variant.
Coding change: c.2341A>G on transcript NM_005379.4 (MANE Select); coding-DNA position 2341, A replaced by G.
Protein change: p.Lys781Glu; replaces lysine 781 with glutamic acid.
Molecular consequence: missense variant.
Genome position (GRCh38, 1-based): chr12:57,036,315, T>C on the plus strand (A>G on the coding strand, the complement: MYO1A is on the minus strand). VCF-style: chr12-57036315-T-C. GRCh37 (hg19) VCF-style: chr12-57430099-T-C.
Other names: c.2341A>G, p.Lys781Glu (NM_001256041.2); short protein forms K781E.
Identifiers: ClinVar variation 164583 (VCV000164583.7), dbSNP rs144384395, ClinGen allele CA177294.

ClinVar aggregate classification (germline): Conflicting classifications of pathogenicity. Review status: criteria provided, conflicting classifications (1 of 4 stars). 4 submissions from 4 submitters: Uncertain significance (1); Likely benign (3). Last evaluated 2021-06-18.

Allele frequency attached by ClinVar (database versions not stated): ExAC 0.00069; gnomAD exomes 0.00080 and 0.00139; gnomAD 0.00100 and 0.00103; TOPMed 0.00110; ESP Exome Variant Server 0.00161.
gnomAD v4.1: 2,210 of 1,613,606 alleles (0.14%); highest among the groups gnomAD compares: Non-Finnish European, 0.16%; 4 homozygotes.

Submissions (4):

Ambry Genetics
Classification: Uncertain significance. Last evaluated: 2021-06-18. Review status: criteria provided, single submitter. Criteria: Ambry Variant Classification Scheme 2023. Collection method: clinical testing. Allele origin: germline.

GeneDx
Classification: Likely benign. Last evaluated: 2018-03-02. Review status: criteria provided, single submitter. Criteria: GeneDx Variant Classification (06012015). Collection method: clinical testing. Allele origin: germline. Affected: yes.
Comment: This variant is considered likely benign or benign based on one or more of the following criteria: it is a conservative change, it occurs at a poorly conserved position in the protein, it is predicted to be benign by multiple in silico algorithms, and/or has population frequency not consistent with disease.

Laboratory for Molecular Medicine, Mass General Brigham Personalized Medicine
Classification: Likely benign. Last evaluated: 2014-05-01. Review status: criteria provided, single submitter. Criteria: LMM Criteria. Collection method: clinical testing. Allele origin: germline. Observed: 2 variant alleles.
Comment: Lys781Glu in exon 22 of MYO1A: This variant is not expected to have clinical sig nificance because it has been identified in 0.23% (20/8600) of European American chromosomes by the NHLBI Exome Sequencing Project (dbSNP rs144384395). In addition, lysine (Lys) is not well conserved in mammals and across evolutionary distant species, and several computational prediction t ools suggest this variant may not impact the protein.

PreventionGenetics, part of Exact Sciences
Classification: Likely benign. Review status: criteria provided, single submitter. Criteria: ACMG Guidelines, 2015. Collection method: clinical testing. Allele origin: germline.